The following is an entry in ClinVar:

ClinVar aggregate classification (germline): Uncertain significance. Review status: criteria provided, multiple submitters, no conflicts (2 of 4 stars). 4 submissions from 4 submitters: Uncertain significance (4). Last evaluated 2025-11-14.

Conditions:
COL4A1-related disorder. Also called: COL4A1-related disorders; COL4A1-related condition. Identifiers: MedGen CN376119, MONDO:0800461.
Brain small vessel disease 1 with or without ocular anomalies (BSVD1). Also called: PORENCEPHALY, TYPE 1, AUTOSOMAL DOMINANT; BRAIN SMALL VESSEL DISEASE WITH HEMORRHAGE; Brain small vessel disease with or without ocular anomalies; GOULD SYNDROME 1. Identifiers: Orphanet 2940, Orphanet 36383, Orphanet 99810, MedGen C4755307, MONDO:0008289, OMIM 175780.
Microangiopathy and leukoencephalopathy, pontine, autosomal dominant. Also called: DEMENTIA, HEREDITARY MULTI-INFARCT, SWEDISH TYPE; Pontine autosomal dominant microangiopathy with leukoencephalopathy. Identifiers: Orphanet 477749, MedGen C5231411, MONDO:0032814, OMIM 618564.
Retinal arterial tortuosity. Also called: RETINAL HEMORRHAGE WITH VASCULAR TORTUOSITY; Retinal arteries, tortuosity of. Identifiers: Orphanet 75326, MedGen C0423401, MONDO:0008373, OMIM 180000, HP:0000631.
Hemorrhage, intracerebral, susceptibility to (ICH). Also called: Stroke, hemorrhagic, susceptibility to. Identifiers: MedGen C3281105, MONDO:0100533, OMIM 614519.
Autosomal dominant familial hematuria-retinal arteriolar tortuosity-contractures syndrome. Also called: Angiopathy, hereditary, with nephropathy, aneurysms, and muscle cramps; Hereditary Angiopathy with Nephropathy, Aneurysms, and Muscle Cramps (HANAC) Syndrome. Identifiers: Orphanet 73229, MedGen C2673195, MONDO:0012726, OMIM 611773.

Allele frequency attached by ClinVar (database versions not stated): ExAC 0.00001; gnomAD exomes 0.00001; gnomAD 0.00004 and 0.00005; 1000 Genomes Project 30x 0.00016; 1000 Genomes Project 0.00020.
gnomAD v4.1: 28 of 1,614,078 alleles (0.0017%); highest among the groups gnomAD compares: Admixed American, 0.01%; no homozygotes.

Submissions (4):

PreventionGenetics, part of Exact Sciences
Classification: Uncertain significance for COL4A1-related condition. Last evaluated: 2025-11-14. Review status: criteria provided, single submitter. Criteria: ACMG Guidelines, 2015. Collection method: clinical testing. Allele origin: germline.
Comment: The COL4A1 c.1366G>A variant is predicted to result in the amino acid substitution p.Glu456Lys. To our knowledge, this variant has not been reported in the literature. This variant is reported in 0.0054% of alleles in individuals of East Asian descent in gnomAD. At this time, the clinical significance of this variant is uncertain due to the absence of conclusive functional and genetic evidence.

Labcorp Genetics (formerly Invitae), Labcorp
Classification: Uncertain significance. Last evaluated: 2025-11-03. Review status: criteria provided, single submitter. Criteria: Invitae Variant Classification Sherloc (09022015). Collection method: clinical testing. Allele origin: germline.
Comment: This sequence change replaces glutamic acid, which is acidic and polar, with lysine, which is basic and polar, at codon 456 of the COL4A1 protein (p.Glu456Lys). This variant is present in population databases (rs570739274, gnomAD 0.006%). This missense change has been observed in individual(s) with clinical features of congenital nephrotic syndrome (PMID: 31738409). ClinVar contains an entry for this variant (Variation ID: 1431097). Invitae Evidence Modeling of protein sequence and biophysical properties (such as structural, functional, and spatial information, amino acid conservation, physicochemical variation, residue mobility, and thermodynamic stability) indicates that this missense variant is not expected to disrupt COL4A1 protein function with a negative predictive value of 95%. In summary, the available evidence is currently insufficient to determine the role of this variant in disease. Therefore, it has been classified as a Variant of Uncertain Significance.

Women's Health and Genetics/Laboratory Corporation of America, LabCorp
Classification: Uncertain significance. Last evaluated: 2024-12-18. Review status: criteria provided, single submitter. Criteria: LabCorp Variant Classification Summary - May 2015. Collection method: clinical testing. Allele origin: germline.
Comment: Variant summary: COL4A1 c.1366G>A (p.Glu456Lys) results in a conservative amino acid change in the encoded protein sequence. Three of five in-silico tools predict a damaging effect of the variant on protein function. The variant allele was found at a frequency of 8e-06 in 251032 control chromosomes. The available data on variant occurrences in the general population are insufficient to allow any conclusion about variant significance. c.1366G>A has been reported in the literature in at-least one individual suspected of Congenital nephrotic syndrome (example: Mansilla_2021). These report(s) do not provide unequivocal conclusions about association of the variant with Porencephaly 1. To our knowledge, no experimental evidence demonstrating an impact on protein function has been reported. The following publication has been ascertained in the context of this evaluation (PMID: 31738409). ClinVar contains an entry for this variant (Variation ID: 1431097). Based on the evidence outlined above, the variant was classified as uncertain significance.

Fulgent Genetics
Classification: Uncertain significance for Brain small vessel disease 1 with or without ocular anomalies; Retinal arterial tortuosity; Autosomal dominant familial hematuria-retinal arteriolar tortuosity-contractures syndrome; Hemorrhage, intracerebral, susceptibility to; Microangiopathy and leukoencephalopathy, pontine, autosomal dominant. Last evaluated: 2021-12-28. Review status: criteria provided, single submitter. Criteria: ACMG Guidelines, 2015. Collection method: clinical testing. Allele origin: unknown.

Literature cited by the submitters: PubMed 31738409 (cited by Labcorp Genetics (formerly Invitae), Labcorp and Women's Health and Genetics/Laboratory Corporation of America, LabCorp).

NM_001845.6(COL4A1):c.1366G>A (p.Glu456Lys)

Genes: COL4A1 (collagen type IV alpha 1 chain; minus strand), LOC126861856 (BRD4-independent group 4 enhancer GRCh37_chr13:110846747-110847946; plus strand). Cytogenetic location: 13q34.
Variant type: single nucleotide variant.
Coding change: c.1366G>A on transcript NM_001845.6 (MANE Select); coding-DNA position 1366, G replaced by A.
Protein change: p.Glu456Lys; replaces glutamic acid 456 with lysine.
Molecular consequence: missense variant.
Genome position (GRCh38, 1-based): chr13:110,195,038, C>T on the plus strand (G>A on the coding strand, the complement: COL4A1 is on the minus strand). VCF-style: chr13-110195038-C-T. GRCh37 (hg19) VCF-style: chr13-110847385-C-T.
Other names: c.1366G>A, p.Glu456Lys (NM_001303110.2); c.1366G>A (NM_001845.5); short protein forms E456K.
Identifiers: ClinVar variation 1431097 (VCV001431097.9), dbSNP rs570739274, ClinGen allele CA7047980.